The following is an entry in ClinVar:

ClinVar aggregate classification (germline): Uncertain significance. Review status: criteria provided, multiple submitters, no conflicts (2 of 4 stars). 2 submissions from 2 submitters: Uncertain significance (2). Last evaluated 2025-12-17.

Conditions:
Hereditary nonpolyposis colorectal neoplasms. Identifiers: MedGen C0009405, MeSH D003123.
Hereditary cancer-predisposing syndrome. Also called: Hereditary neoplastic syndrome; Tumor predisposition; Neoplastic Syndromes, Hereditary; Hereditary Cancer Syndrome. Identifiers: Orphanet 140162, MedGen C0027672, MeSH D009386, MONDO:0015356.

gnomAD v4.1: 1 of 1,614,198 alleles (0.000062%); highest among the groups gnomAD compares: Non-Finnish European, 0.000085%; no homozygotes.

Submissions (2):

Ambry Genetics
Classification: Uncertain significance for Hereditary cancer-predisposing syndrome. Last evaluated: 2025-12-17. Review status: criteria provided, single submitter. Criteria: Ambry Variant Classification Scheme 2023. Collection method: clinical testing. Allele origin: germline.
Comment: The p.D136E variant (also known as c.408C>G), located in coding exon 2 of the MSH6 gene, results from a C to G substitution at nucleotide position 408. The aspartic acid at codon 136 is replaced by glutamic acid, an amino acid with highly similar properties. This amino acid position is conserved. In addition, this alteration is predicted to be tolerated by in silico analysis. Based on the available evidence, the clinical significance of this variant remains unclear.

Labcorp Genetics (formerly Invitae), Labcorp
Classification: Uncertain significance for Hereditary nonpolyposis colorectal neoplasms. Last evaluated: 2022-02-18. Review status: criteria provided, single submitter. Criteria: Invitae Variant Classification Sherloc (09022015). Collection method: clinical testing. Allele origin: germline.
Comment: In summary, the available evidence is currently insufficient to determine the role of this variant in disease. Therefore, it has been classified as a Variant of Uncertain Significance. Advanced modeling of protein sequence and biophysical properties (such as structural, functional, and spatial information, amino acid conservation, physicochemical variation, residue mobility, and thermodynamic stability) performed at Invitae indicates that this missense variant is not expected to disrupt MSH6 protein function. This variant has not been reported in the literature in individuals affected with MSH6-related conditions. This variant is not present in population databases (gnomAD no frequency). This sequence change replaces aspartic acid, which is acidic and polar, with glutamic acid, which is acidic and polar, at codon 136 of the MSH6 protein (p.Asp136Glu).

NM_000179.3(MSH6):c.408C>G (p.Asp136Glu)

Gene: MSH6 (mutS homolog 6; plus strand). Cytogenetic location: 2p16.3.
Variant type: single nucleotide variant.
Coding change: c.408C>G on transcript NM_000179.3 (MANE Select); coding-DNA position 408, C replaced by G.
Protein change: p.Asp136Glu; replaces aspartic acid 136 with glutamic acid.
Molecular consequence: missense variant. On other transcripts: 5 prime UTR variant (2), intron variant (1).
Genome position (GRCh38, 1-based): chr2:47,791,074, C>G. VCF-style: chr2-47791074-C-G. GRCh37 (hg19) VCF-style: chr2-48018213-C-G.
Other names: c.408C>G (NM_000179.2); c.-329C>G (NM_001281493.2); c.-495C>G (NM_001281494.2); c.238-7537C>G (NM_001281492.2); short protein forms D136E.
Identifiers: ClinVar variation 1360163 (VCV001360163.9), dbSNP rs878853746, ClinGen allele CA346737108.
Genomic context (GRCh38, chr2:47,791,074, plus strand): 5'-TGGAACATTCATCCGCGAGAAAGGGAAATCAGTCCGTGTTCATGTACAGTTTTTTGATGA[C>G]AGCCCAACAAGGGGCTGGGTTAGCAAAAGGCTTTTAAAGCCATATACAGGTAAGAGTCAC-3'
Protein context (NP_000170.1, residues 126-146): SVRVHVQFFD[Asp136Glu]SPTRGWVSKR